The following is an entry in ClinVar:

NM_002439.5(MSH3):c.935C>T (p.Thr312Ile)

Genes: MSH3 (mutS homolog 3; plus strand), LOC126807437 (MED14-independent group 3 enhancer GRCh37_chr5:79968379-79969578; plus strand). Cytogenetic location: 5q14.1.
Variant type: single nucleotide variant.
Coding change: c.935C>T on transcript NM_002439.5 (MANE Select); coding-DNA position 935, C replaced by T.
Protein change: p.Thr312Ile; replaces threonine 312 with isoleucine.
Molecular consequence: missense variant.
Genome position (GRCh38, 1-based): chr5:80,672,766, C>T. VCF-style: chr5-80672766-C-T. GRCh37 (hg19) VCF-style: chr5-79968585-C-T.
Other names: short protein forms T312I.
Identifiers: ClinVar variation 3874998 (VCV003874998.1).

ClinVar aggregate classification (germline): Uncertain significance (1 of 4 stars; one submission).

Conditions:
Hereditary cancer-predisposing syndrome. Also called: Tumor predisposition; Neoplastic Syndromes, Hereditary; Hereditary Cancer Syndrome; Hereditary neoplastic syndrome. Identifiers: Orphanet 140162, MedGen C0027672, MeSH D009386, MONDO:0015356.

gnomAD v4.1: 2 of 1,614,060 alleles (0.00012%); highest among the groups gnomAD compares: Non-Finnish European, 0.00017%; no homozygotes.

Submission:

Ambry Genetics
Classification: Uncertain significance for Hereditary cancer-predisposing syndrome. Last evaluated: 2025-02-21. Review status: criteria provided, single submitter. Criteria: Ambry Variant Classification Scheme 2023. Collection method: clinical testing. Allele origin: germline.
Comment: The p.T312I variant (also known as c.935C>T), located in coding exon 6 of the MSH3 gene, results from a C to T substitution at nucleotide position 935. The threonine at codon 312 is replaced by isoleucine, an amino acid with similar properties. This amino acid position is conserved. In addition, this alteration is predicted to be deleterious by in silico analysis. Based on the available evidence, the clinical significance of this variant remains unclear.